The following is an entry in ClinVar:

NM_001029896.2(WDR45):c.708C>G (p.Asp236Glu)

Gene: WDR45 (WD repeat domain 45; minus strand). Cytogenetic location: Xp11.23.
Variant type: single nucleotide variant.
Coding change: c.708C>G on transcript NM_001029896.2 (MANE Select); coding-DNA position 708, C replaced by G.
Protein change: p.Asp236Glu; replaces aspartic acid 236 with glutamic acid.
Molecular consequence: missense variant.
Genome position (GRCh38, 1-based): chrX:49,075,562, G>C on the plus strand (C>G on the coding strand, the complement: WDR45 is on the minus strand). VCF-style: chrX-49075562-G-C. GRCh37 (hg19) VCF-style: chrX-48933221-G-C.
Other names: c.711C>G (NM_007075.3); c.711C>G, p.Asp237Glu (NM_007075.4); short protein forms D236E, D237E.
Identifiers: ClinVar variation 2804672 (VCV002804672.4), dbSNP rs2520261326, ClinGen allele CA412943472.

ClinVar aggregate classification (germline): Conflicting classifications of pathogenicity. Review status: criteria provided, conflicting classifications (1 of 4 stars). 2 submissions from 2 submitters: Uncertain significance (1); Likely benign (1). Last evaluated 2024-12-23.

Conditions:
Neurodegeneration with brain iron accumulation 5 (NBIA5). Also called: STATIC ENCEPHALOPATHY OF CHILDHOOD WITH NEURODEGENERATION IN ADULTHOOD; Beta-propeller protein-associated neurodegeneration. Identifiers: Orphanet 329284, MedGen C3550973, MONDO:0010476, OMIM 300894.
Inborn genetic diseases. Identifiers: MedGen C0950123, MeSH D030342.

Allele frequency attached by ClinVar (database versions not stated): gnomAD exomes below 0.00001.
gnomAD v4.1: 1 of 1,212,038 alleles (0.000083%); highest among the groups gnomAD compares: Non-Finnish European, 0.00011%; no homozygotes.

Submissions (2):

Ambry Genetics
Classification: Likely benign for Inborn genetic diseases. Last evaluated: 2024-12-23. Review status: criteria provided, single submitter. Criteria: Ambry Variant Classification Scheme 2023. Collection method: clinical testing. Allele origin: germline.

Labcorp Genetics (formerly Invitae), Labcorp
Classification: Uncertain significance for Neurodegeneration with brain iron accumulation 5. Last evaluated: 2023-10-17. Review status: criteria provided, single submitter. Criteria: Invitae Variant Classification Sherloc (09022015). Collection method: clinical testing. Allele origin: germline.
Comment: This sequence change replaces aspartic acid, which is acidic and polar, with glutamic acid, which is acidic and polar, at codon 237 of the WDR45 protein (p.Asp237Glu). This variant is not present in population databases (gnomAD no frequency). This variant has not been reported in the literature in individuals affected with WDR45-related conditions. Advanced modeling of protein sequence and biophysical properties (such as structural, functional, and spatial information, amino acid conservation, physicochemical variation, residue mobility, and thermodynamic stability) has been performed at Invitae for this missense variant, however the output from this modeling did not meet the statistical confidence thresholds required to predict the impact of this variant on WDR45 protein function. In summary, the available evidence is currently insufficient to determine the role of this variant in disease. Therefore, it has been classified as a Variant of Uncertain Significance.